The following is an entry in ClinVar:

ClinVar aggregate classification (germline): Conflicting classifications of pathogenicity. Review status: criteria provided, conflicting classifications (1 of 4 stars). 4 submissions from 4 submitters: Uncertain significance (1); Likely benign (3). Last evaluated 2025-12-03.

Conditions:
Familial ovarian cancer. Identifiers: MedGen C5679802, MONDO:0016248.
Hereditary cancer-predisposing syndrome. Also called: Tumor predisposition; Neoplastic Syndromes, Hereditary; Hereditary Cancer Syndrome; Hereditary neoplastic syndrome. Identifiers: Orphanet 140162, MedGen C0027672, MeSH D009386, MONDO:0015356.
Peutz-Jeghers syndrome (PJS). Also called: POLYPOSIS, HAMARTOMATOUS INTESTINAL; POLYPS-AND-SPOTS SYNDROME; Peutz-Jeghers polyposis; Periorificial lentiginosis syndrome. Identifiers: Orphanet 2869, MedGen C0031269, MeSH D010580, MONDO:0008280, OMIM 175200.

Allele frequency attached by ClinVar (database versions not stated): ExAC 0.00001; gnomAD 0.00001; gnomAD exomes 0.00001; TOPMed 0.00001; ESP Exome Variant Server 0.00008.
gnomAD v4.1: 10 of 1,606,058 alleles (0.00062%); highest among the groups gnomAD compares: African/African-American, 0.0027%; no homozygotes.

Submissions (4):

Labcorp Genetics (formerly Invitae), Labcorp
Classification: Likely benign for Peutz-Jeghers syndrome. Last evaluated: 2025-12-03. Review status: criteria provided, single submitter. Criteria: Invitae Variant Classification Sherloc (09022015). Collection method: clinical testing. Allele origin: germline.

Department of Pathology and Laboratory Medicine, Sinai Health System
Classification: Uncertain significance for familial ovarian cancer. Last evaluated: 2024-06-10. Review status: criteria provided, single submitter. Criteria: ACMG Guidelines, 2015. Collection method: clinical testing. Allele origin: germline. Affected: no.

Color Diagnostics, LLC DBA Color Health
Classification: Likely benign for Hereditary cancer-predisposing syndrome. Last evaluated: 2017-06-12. Review status: criteria provided, single submitter. Criteria: ACMG Guidelines, 2015. Collection method: clinical testing. Allele origin: germline.

GeneDx
Classification: Likely benign. Last evaluated: 2017-02-01. Review status: criteria provided, single submitter. Criteria: GeneDx Variant Classification (06012015). Collection method: clinical testing. Allele origin: germline. Affected: yes.
Comment: This variant is considered likely benign or benign based on one or more of the following criteria: it is a conservative change, it occurs at a poorly conserved position in the protein, it is predicted to be benign by multiple in silico algorithms, and/or has population frequency not consistent with disease.

NM_000455.5(STK11):c.1108+11C>T

Genes: STK11 (serine/threonine kinase 11; plus strand), LOC130062899 (ATAC-STARR-seq lymphoblastoid active region 13597; plus strand). Cytogenetic location: 19p13.3.
Variant type: single nucleotide variant.
Coding change: c.1108+11C>T on transcript NM_000455.5 (MANE Select); 11 bases into the intron after coding-DNA position 1108, C replaced by T.
Molecular consequence: intron variant.
Genome position (GRCh38, 1-based): chr19:1,223,183, C>T. VCF-style: chr19-1223183-C-T. GRCh37 (hg19) VCF-style: chr19-1223182-C-T.
Identifiers: ClinVar variation 492512 (VCV000492512.10), dbSNP rs368857989, ClinGen allele CA045222.